The following is an entry in ClinVar:

ClinVar aggregate classification (germline): Conflicting classifications of pathogenicity. Review status: criteria provided, conflicting classifications (1 of 4 stars). 6 submissions from 5 submitters: Uncertain significance (5); Likely benign (1). Last evaluated 2026-01-28.

Conditions:
Cardiovascular phenotype. Identifiers: MedGen CN230736.
Hereditary cancer-predisposing syndrome. Also called: Hereditary Cancer Syndrome; Neoplastic Syndromes, Hereditary; Tumor predisposition; Hereditary neoplastic syndrome. Identifiers: Orphanet 140162, MedGen C0027672, MeSH D009386, MONDO:0015356.
Café-au-lait macules with pulmonary stenosis (WTSN). Also called: PULMONIC STENOSIS WITH CAFE-AU-LAIT SPOTS. Identifiers: MedGen C0553586, MONDO:0008672, OMIM 193520.
Juvenile myelomonocytic leukemia (JMML). Also called: LEUKEMIA, JUVENILE MYELOMONOCYTIC, SOMATIC. Identifiers: Orphanet 86834, MedGen C0349639, MONDO:0011908, OMIM 607785, HP:0012209.
Neurofibromatosis-Noonan syndrome (NFNS). Also called: NEUROFIBROMATOSIS WITH NOONAN PHENOTYPE. Identifiers: Orphanet 638, MedGen C2931482, MONDO:0011035, OMIM 601321. Disease mechanism: loss of function.
Neurofibromatosis, familial spinal (FSNF). Identifiers: Orphanet 636, MedGen C1834235, MONDO:0008078, OMIM 162210. Disease mechanism: loss of function.
Neurofibromatosis, type 1 (NF1). Also called: Neurofibromatosis, type I; VON RECKLINGHAUSEN DISEASE; NEUROFIBROMATOSIS, TYPE I, SOMATIC; Peripheral type neurofibromatosis. Identifiers: Orphanet 636, MedGen C0027831, MONDO:0018975, OMIM 162200. Disease mechanism: loss of function.

Allele frequency attached by ClinVar (database versions not stated): ExAC 0.00001; gnomAD 0.00002; gnomAD exomes below 0.00001; TOPMed below 0.00001.
gnomAD v4.1: 8 of 1,613,202 alleles (0.0005%); highest among the groups gnomAD compares: African/African-American, 0.0013%; no homozygotes.

Submissions (6):

Labcorp Genetics (formerly Invitae), Labcorp
Classification: Likely benign for Neurofibromatosis, type 1. Last evaluated: 2026-01-28. Review status: criteria provided, single submitter. Criteria: Invitae Variant Classification Sherloc (09022015). Collection method: clinical testing. Allele origin: germline.

Fulgent Genetics
Classification: Uncertain significance for Neurofibromatosis, type 1; Neurofibromatosis, familial spinal; Café-au-lait macules with pulmonary stenosis; Neurofibromatosis-Noonan syndrome; Juvenile myelomonocytic leukemia. Last evaluated: 2024-02-23. Review status: criteria provided, single submitter. Criteria: ACMG Guidelines, 2015. Collection method: clinical testing. Allele origin: germline.

Ambry Genetics
Classification: Uncertain significance for Cardiovascular phenotype; Hereditary cancer-predisposing syndrome. Last evaluated: 2022-03-07. Review status: criteria provided, single submitter. Criteria: Ambry Variant Classification Scheme 2023. Collection method: clinical testing. Allele origin: germline.

Sema4
Classification: Uncertain significance for Hereditary cancer-predisposing syndrome. Last evaluated: 2021-12-21. Review status: criteria provided, single submitter. Criteria: Sema4 Curation Guidelines. Collection method: curation. Allele origin: germline.
Comment: The NF1 c.623C>T (p.A208V) variant has been reported in a case-control association study of breast cancer in 4/7051 cases and 3/11241 controls (PMID: 30287823). This variant was observed in 1/8714 chromosomes in the African/African American population, according to the Genome Aggregation Database (PMID: 32461654). This variant has been reported in ClinVar (Variation ID: 230640). Functional studies have not been performed, and in silico predictions of the variant's effect on protein function are inconclusive. The overall evidence is inconsistent with ACMG/AMP requirements for a classification of benign or pathogenic. In summary, the clinical significance of this variant is currently uncertain.

Baylor Genetics
Classification: Uncertain significance for Neurofibromatosis, type 1. Last evaluated: 2018-06-16. Review status: criteria provided, single submitter. Criteria: ACMG Guidelines, 2015. Collection method: clinical testing. Allele origin: paternal. Affected: yes.
Comment: This variant was determined to be of uncertain significance according to ACMG Guidelines, 2015 [PMID:25741868].

Ambry Genetics
Classification: Uncertain significance for Hereditary cancer-predisposing syndrome. Last evaluated: 2015-11-01. Review status: criteria provided, single submitter. Criteria: Ambry Autosomal Dominant and X-Linked criteria (10/2015). Collection method: clinical testing. Allele origin: germline. Observed: 1 variant allele.
Comment: The p.A208V variant (also known as c.623C>T), located in coding exon 6 of the NF1 gene, results from a C to T substitution at nucleotide position 623. The alanine at codon 208 is replaced by valine, an amino acid with similar properties. This variant was not reported in population based cohorts in the following databases: Database of Single Nucleotide Polymorphisms (dbSNP), NHLBI Exome Sequencing Project (ESP), and 1000 Genomes Project. In the ESP, this variant was not observed in 6498 samples (12996 alleles) with coverage at this position. To date, this alteration has been detected with an allele frequency of approximately 0.004% (greater than 110000 alleles tested) in our clinical cohort. This amino acid position is highly conserved in available vertebrate species. In addition, this alteration is predicted to be deleterious by in silico analysis. Since supporting evidence is limited at this time, the clinical significance of p.A208V remains unclear.

Literature cited by the submitters: PubMed 30287823 (cited by Sema4).

NM_001042492.3(NF1):c.623C>T (p.Ala208Val)

Gene: NF1 (neurofibromin 1; plus strand). Cytogenetic location: 17q11.2.
Variant type: single nucleotide variant.
Coding change: c.623C>T on transcript NM_001042492.3 (MANE Select); coding-DNA position 623, C replaced by T.
Protein change: p.Ala208Val; replaces alanine 208 with valine.
Molecular consequence: missense variant.
Genome position (GRCh38, 1-based): chr17:31,181,458, C>T. VCF-style: chr17-31181458-C-T. GRCh37 (hg19) VCF-style: chr17-29508476-C-T.
Other names: c.623C>T, p.Ala208Val (NM_000267.4, NM_001128147.3); short protein forms A208V.
Identifiers: ClinVar variation 230640 (VCV000230640.18), dbSNP rs758624540, ClinGen allele CA8485573.